The following is an entry in ClinVar:

NM_133178.4(PTPRU):c.378C>T (p.Gly126=)

Gene: PTPRU (protein tyrosine phosphatase receptor type U; plus strand). Cytogenetic location: 1p35.3.
Variant type: single nucleotide variant.
Coding change: c.378C>T on transcript NM_133178.4 (MANE Select); coding-DNA position 378, C replaced by T.
Protein change: p.Gly126=; no amino-acid change (glycine 126 retained).
Molecular consequence: synonymous variant.
Genome position (GRCh38, 1-based): chr1:29,258,677, C>T. VCF-style: chr1-29258677-C-T. GRCh37 (hg19) VCF-style: chr1-29585189-C-T.
Other names: c.378C>T, p.Gly126= (NM_001195001.2, NM_005704.5, NM_133177.4).
Identifiers: ClinVar variation 3048635 (VCV003048635.2), dbSNP rs181518033, ClinGen allele CA726055.

ClinVar aggregate classification (germline): Benign (0 of 4 stars; one submission).

Conditions:
PTPRU-related disorder. Also called: PTPRU-related condition.

Allele frequency attached by ClinVar (database versions not stated): gnomAD 0.00034; gnomAD exomes 0.00035; TOPMed 0.00041; ExAC 0.00084; 1000 Genomes Project 30x 0.00094; 1000 Genomes Project 0.00120.

Submission:

PreventionGenetics, part of Exact Sciences
Classification: Benign for PTPRU-related condition. Last evaluated: 2019-11-26. Review status: no assertion criteria provided. Collection method: clinical testing. Allele origin: germline.
Comment: This variant is classified as benign based on ACMG/AMP sequence variant interpretation guidelines (Richards et al. 2015 PMID: 25741868, with internal and published modifications).